The following is an entry in ClinVar:

ClinVar aggregate classification (germline): Uncertain significance (1 of 4 stars; one submission).

Allele frequency attached by ClinVar (database versions not stated): TOPMed below 0.00001.

Submission:

Labcorp Genetics (formerly Invitae), Labcorp
Classification: Uncertain significance. Last evaluated: 2022-02-28. Review status: criteria provided, single submitter. Criteria: Invitae Variant Classification Sherloc (09022015). Collection method: clinical testing. Allele origin: germline.
Comment: In summary, the available evidence is currently insufficient to determine the role of this variant in disease. Therefore, it has been classified as a Variant of Uncertain Significance. Algorithms developed to predict the effect of missense changes on protein structure and function (SIFT, PolyPhen-2, Align-GVGD) all suggest that this variant is likely to be tolerated. This variant has not been reported in the literature in individuals affected with FLVCR1-related conditions. This variant is not present in population databases (gnomAD no frequency). This sequence change replaces glutamic acid, which is acidic and polar, with lysine, which is basic and polar, at codon 136 of the FLVCR1 protein (p.Glu136Lys).

NM_014053.4(FLVCR1):c.406G>A (p.Glu136Lys)

Gene: FLVCR1 (FLVCR choline and heme transporter 1; plus strand). Cytogenetic location: 1q32.3.
Variant type: single nucleotide variant.
Coding change: c.406G>A on transcript NM_014053.4 (MANE Select); coding-DNA position 406, G replaced by A.
Protein change: p.Glu136Lys; replaces glutamic acid 136 with lysine.
Molecular consequence: missense variant.
Genome position (GRCh38, 1-based): chr1:212,858,858, G>A. VCF-style: chr1-212858858-G-A. GRCh37 (hg19) VCF-style: chr1-213032200-G-A.
Other names: short protein forms E136K.
Identifiers: ClinVar variation 2100872 (VCV002100872.4), dbSNP rs1664125107, ClinGen allele CA344795988.